The following is an entry in ClinVar:

NM_006231.4(POLE):c.3215C>T (p.Ala1072Val)

Gene: POLE (DNA polymerase epsilon, catalytic subunit; minus strand). Cytogenetic location: 12q24.33.
Variant type: single nucleotide variant.
Coding change: c.3215C>T on transcript NM_006231.4 (MANE Select); coding-DNA position 3215, C replaced by T.
Protein change: p.Ala1072Val; replaces alanine 1072 with valine.
Molecular consequence: missense variant.
Genome position (GRCh38, 1-based): chr12:132,659,355, G>A on the plus strand (C>T on the coding strand, the complement: POLE is on the minus strand). VCF-style: chr12-132659355-G-A. GRCh37 (hg19) VCF-style: chr12-133235941-G-A.
Other names: c.3215C>T (NM_006231.2); short protein forms A1072V.
Identifiers: ClinVar variation 2832001 (VCV002832001.4), dbSNP rs2138675456, ClinGen allele CA387390488.

ClinVar aggregate classification (germline): Uncertain significance. Review status: criteria provided, multiple submitters, no conflicts (2 of 4 stars). 2 submissions from 2 submitters: Uncertain significance (2). Last evaluated 2024-08-27.

Conditions:
Hereditary cancer-predisposing syndrome. Also called: Neoplastic Syndromes, Hereditary; Tumor predisposition; Hereditary Cancer Syndrome; Hereditary neoplastic syndrome. Identifiers: Orphanet 140162, MedGen C0027672, MeSH D009386, MONDO:0015356.

Submissions (2):

Labcorp Genetics (formerly Invitae), Labcorp
Classification: Uncertain significance. Last evaluated: 2024-08-27. Review status: criteria provided, single submitter. Criteria: Invitae Variant Classification Sherloc (09022015). Collection method: clinical testing. Allele origin: germline.
Comment: This sequence change replaces alanine, which is neutral and non-polar, with valine, which is neutral and non-polar, at codon 1072 of the POLE protein (p.Ala1072Val). This variant is not present in population databases (gnomAD no frequency). This variant has not been reported in the literature in individuals affected with POLE-related conditions. Invitae Evidence Modeling of protein sequence and biophysical properties (such as structural, functional, and spatial information, amino acid conservation, physicochemical variation, residue mobility, and thermodynamic stability) indicates that this missense variant is not expected to disrupt POLE protein function with a negative predictive value of 80%. In summary, the available evidence is currently insufficient to determine the role of this variant in disease. Therefore, it has been classified as a Variant of Uncertain Significance.

Ambry Genetics
Classification: Uncertain significance for Hereditary cancer-predisposing syndrome. Last evaluated: 2024-08-02. Review status: criteria provided, single submitter. Criteria: Ambry Variant Classification Scheme 2023. Collection method: clinical testing. Allele origin: germline.
Comment: The p.A1072V variant (also known as c.3215C>T), located in coding exon 26 of the POLE gene, results from a C to T substitution at nucleotide position 3215. The alanine at codon 1072 is replaced by valine, an amino acid with similar properties. This amino acid position is conserved. In addition, the in silico prediction for this alteration is inconclusive. Based on the available evidence, the clinical significance of this variant remains unclear.